The following is an entry in ClinVar:

ClinVar aggregate classification (germline): Likely pathogenic. Review status: criteria provided, multiple submitters, no conflicts (2 of 4 stars). 2 submissions from 2 submitters: Likely pathogenic (2). Last evaluated 2016-08-23.

Conditions:
Cardiovascular phenotype. Identifiers: MedGen CN230736.

Submissions (2):

Ambry Genetics
Classification: Likely pathogenic for Cardiovascular phenotype. Last evaluated: 2016-08-23. Review status: criteria provided, single submitter. Criteria: Ambry Variant Classification Scheme 2023. Collection method: clinical testing. Allele origin: germline.
Comment: The p.A565P variant (also known as c.1693G>C), located in coding exon 7 of the KCNH2 gene, results from a G to C substitution at nucleotide position 1693. The alanine at codon 565 is replaced by proline, an amino acid with some highly similar properties. This alteration is located in the S5 domain of the central pore, and internal structural analysis predicts this alteration to be structurally deleterious (Long SB et al. Nature. 2007;450(7168):376-82). An alteration affecting the same amino acid (p.A565T, c.1693G>A) was detected in a cohort of patients sent for long QT syndrome genetic testing (Kapplinger JD et al. Heart Rhythm. 2009;6(9):1297-303). This variant was previously reported in the SNPDatabase as rs199473518. This variant was not reported in population based cohorts in the following databases: ExAC, NHLBI Exome Sequencing Project (ESP), and 1000 Genomes Project. In the ESP, this variant was not observed in 6503 samples (13006 alleles) with coverage at this position. This amino acid position is well conserved in available vertebrate species. In addition, this alteration is predicted to be deleterious by in silico analysis. Based on the majority of available evidence to date, this variant is likely to be pathogenic.

GeneDx
Classification: Likely pathogenic. Last evaluated: 2015-02-02. Review status: criteria provided, single submitter. Criteria: GeneDx Variant Classification (06012015). Collection method: clinical testing. Allele origin: germline. Affected: yes.
Comment: p.Ala565Pro (GCC>CCC): c.1693 G>C in exon 7 of the KCNH2 (HERG) gene (NM_000238.2). A missense variant that is likely pathogenic was identified in the KCNH2 gene. The A565P variant in has not been reported as a disease-causing mutation or as a benign polymorphism to our knowledge. The A565P variant is a semi-conservative amino acid substitution, which may impact secondary protein structure as these residues differ in some properties. This substitution occurs at a position that is conserved across species. In silico analysis predicts A565P is probably damaging to the protein structure/function. A mutations at this residue (A565T) and in nearby residues (W563G, W563C, L564P, C566G, C566S, C566F, I567T ) have been reported in association with LQTS (Kapplinger J et al., 2009), further supporting the functional importance of this residue and this region of the protein. Furthermore, A565P was not observed in approximately 6,500 individuals of European and African American ancestry in the NHLBI Exome Sequencing Project, indicating it is not a common benign variant in these populations. Therefore, this variant is a strong candidate for a pathogenic mutation, however the possibility that it is a benign variant cannot be excluded. The variant is found in LQT panel(s).

Literature cited by the submitters: PubMed 18004376 (cited by Ambry Genetics); PubMed 19716085 (cited by Ambry Genetics).

NM_000238.4(KCNH2):c.1693G>C (p.Ala565Pro)

Gene: KCNH2 (potassium voltage-gated channel subfamily H member 2; minus strand). Cytogenetic location: 7q36.1.
Variant type: single nucleotide variant.
Coding change: c.1693G>C on transcript NM_000238.4 (MANE Select); coding-DNA position 1693, G replaced by C.
Protein change: p.Ala565Pro; replaces alanine 565 with proline.
Molecular consequence: missense variant.
Genome position (GRCh38, 1-based): chr7:150,951,700, C>G on the plus strand (G>C on the coding strand, the complement: KCNH2 is on the minus strand). VCF-style: chr7-150951700-C-G. GRCh37 (hg19) VCF-style: chr7-150648788-C-G.
Other names: p.A565P:GCC>CCC; c.673G>C, p.Ala225Pro (NM_001204798.2, NM_172057.3); c.1405G>C, p.Ala469Pro (NM_001406753.1, NM_001406756.1); c.1516G>C, p.Ala506Pro (NM_001406755.1); c.1393G>C, p.Ala465Pro (NM_001406757.1); c.1693G>C, p.Ala565Pro (NM_172056.3); short protein forms A225P, A565P, A506P, A465P, A469P.
Identifiers: ClinVar variation 200372 (VCV000200372.6), dbSNP rs199473518, ClinGen allele CA005122.